The following is an entry in ClinVar:

ClinVar aggregate classification (germline): Uncertain significance (1 of 4 stars; one submission).

Submission:

Labcorp Genetics (formerly Invitae), Labcorp
Classification: Uncertain significance. Last evaluated: 2025-06-09. Review status: criteria provided, single submitter. Criteria: Invitae Variant Classification Sherloc (09022015). Collection method: clinical testing. Allele origin: germline.
Comment: This sequence change replaces proline, which is neutral and non-polar, with leucine, which is neutral and non-polar, at codon 118 of the SIX2 protein (p.Pro118Leu). This variant is not present in population databases (gnomAD no frequency). This variant has not been reported in the literature in individuals affected with SIX2-related conditions. Invitae Evidence Modeling of protein sequence and biophysical properties (such as structural, functional, and spatial information, amino acid conservation, physicochemical variation, residue mobility, and thermodynamic stability) indicates that this missense variant is expected to disrupt SIX2 protein function with a positive predictive value of 80%. In summary, the available evidence is currently insufficient to determine the role of this variant in disease. Therefore, it has been classified as a Variant of Uncertain Significance.

NM_016932.5(SIX2):c.353C>T (p.Pro118Leu)

Gene: SIX2 (SIX homeobox 2; minus strand). Cytogenetic location: 2p21.
Variant type: single nucleotide variant.
Coding change: c.353C>T on transcript NM_016932.5 (MANE Select); coding-DNA position 353, C replaced by T.
Protein change: p.Pro118Leu; replaces proline 118 with leucine.
Molecular consequence: missense variant.
Genome position (GRCh38, 1-based): chr2:45,008,758, G>A on the plus strand (C>T on the coding strand, the complement: SIX2 is on the minus strand). VCF-style: chr2-45008758-G-A. GRCh37 (hg19) VCF-style: chr2-45235897-G-A.
Other names: short protein forms P118L.
Identifiers: ClinVar variation 4697448 (VCV004697448.1).